The following is an entry in ClinVar:

NM_022124.6(CDH23):c.1596G>A (p.Thr532=)

Gene: CDH23 (cadherin related 23; plus strand). Cytogenetic location: 10q22.1.
Variant type: single nucleotide variant.
Coding change: c.1596G>A on transcript NM_022124.6 (MANE Select); coding-DNA position 1596, G replaced by A.
Protein change: p.Thr532=; no amino-acid change (threonine 532 retained).
Molecular consequence: synonymous variant.
Genome position (GRCh38, 1-based): chr10:71,677,537, G>A. VCF-style: chr10-71677537-G-A. GRCh37 (hg19) VCF-style: chr10-73437294-G-A.
Other names: c.1596G>A, p.Thr532= (NM_001171930.2, NM_001171931.2); c.1596G>A (NM_022124.5).
Identifiers: ClinVar variation 1104346 (VCV001104346.10), dbSNP rs148361187, ClinGen allele CA5543901.

ClinVar aggregate classification (germline): Likely benign. Review status: criteria provided, multiple submitters, no conflicts (2 of 4 stars). 2 submissions from 2 submitters: Likely benign (2). Last evaluated 2026-02-24.

Conditions:
CDH23-related disorder. Also called: CDH23-related condition; CDH23-related disorders.

Allele frequency attached by ClinVar (database versions not stated): gnomAD 0.00001; TOPMed 0.00001.
gnomAD v4.1: 11 of 1,612,058 alleles (0.00068%); highest among the groups gnomAD compares: Admixed American, 0.0084%; no homozygotes.

Submissions (2):

PreventionGenetics, part of Exact Sciences
Classification: Likely benign for CDH23-related condition. Last evaluated: 2026-02-24. Review status: criteria provided, single submitter. Criteria: ACMG Guidelines, 2015. Collection method: clinical testing. Allele origin: germline.
Comment: This variant is classified as likely benign based on ACMG/AMP sequence variant interpretation guidelines (Richards et al. 2015 PMID: 25741868, with internal and published modifications).

Labcorp Genetics (formerly Invitae), Labcorp
Classification: Likely benign. Last evaluated: 2023-09-21. Review status: criteria provided, single submitter. Criteria: Invitae Variant Classification Sherloc (09022015). Collection method: clinical testing. Allele origin: germline.